The following is an entry in ClinVar:

ClinVar aggregate classification (germline): Uncertain significance (1 of 4 stars; one submission).

Allele frequency attached by ClinVar (database versions not stated): gnomAD exomes below 0.00001.

Submission:

Labcorp Genetics (formerly Invitae), Labcorp
Classification: Uncertain significance. Last evaluated: 2022-01-17. Review status: criteria provided, single submitter. Criteria: Invitae Variant Classification Sherloc (09022015). Collection method: clinical testing. Allele origin: germline.
Comment: This sequence change replaces alanine, which is neutral and non-polar, with threonine, which is neutral and polar, at codon 103 of the RALA protein (p.Ala103Thr). This variant is not present in population databases (gnomAD no frequency). This variant has not been reported in the literature in individuals affected with RALA-related conditions. Advanced modeling of protein sequence and biophysical properties (such as structural, functional, and spatial information, amino acid conservation, physicochemical variation, residue mobility, and thermodynamic stability) performed at Invitae indicates that this missense variant is not expected to disrupt RALA protein function. In summary, the available evidence is currently insufficient to determine the role of this variant in disease. Therefore, it has been classified as a Variant of Uncertain Significance.

NM_005402.4(RALA):c.307G>A (p.Ala103Thr)

Gene: RALA (RAS like proto-oncogene A; plus strand). Cytogenetic location: 7p14.1.
Variant type: single nucleotide variant.
Coding change: c.307G>A on transcript NM_005402.4 (MANE Select); coding-DNA position 307, G replaced by A.
Protein change: p.Ala103Thr; replaces alanine 103 with threonine.
Molecular consequence: missense variant.
Genome position (GRCh38, 1-based): chr7:39,690,574, G>A. VCF-style: chr7-39690574-G-A. GRCh37 (hg19) VCF-style: chr7-39730173-G-A.
Other names: short protein forms A103T.
Identifiers: ClinVar variation 2086926 (VCV002086926.4), dbSNP rs2534039184, ClinGen allele CA367305400.